The following is an entry in ClinVar:

NM_001036.6(RYR3):c.4505G>T (p.Arg1502Leu)

Gene: RYR3 (ryanodine receptor 3; plus strand). Cytogenetic location: 15q14.
Variant type: single nucleotide variant.
Coding change: c.4505G>T on transcript NM_001036.6 (MANE Select); coding-DNA position 4505, G replaced by T.
Protein change: p.Arg1502Leu; replaces arginine 1502 with leucine.
Molecular consequence: missense variant.
Genome position (GRCh38, 1-based): chr15:33,660,306, G>T. VCF-style: chr15-33660306-G-T. GRCh37 (hg19) VCF-style: chr15-33952507-G-T.
Other names: c.4505G>T, p.Arg1502Leu (NM_001243996.4); short protein forms R1502L.
Identifiers: ClinVar variation 707389 (VCV000707389.14), dbSNP rs545597409, ClinGen allele CA7459026.

ClinVar aggregate classification (germline): Likely benign. Review status: criteria provided, multiple submitters, no conflicts (2 of 4 stars). 4 submissions from 4 submitters: Likely benign (3). 1 of the submissions does not count toward it. Last evaluated 2024-11-11.

Conditions:
Monomelic amyotrophy. Also called: HIRAYAMA DISEASE. Identifiers: Orphanet 65684, MedGen C1865384, MONDO:0011224, OMIM 602440.
Epileptic encephalopathy. Identifiers: MedGen C0543888, HP:0200134.

Allele frequency attached by ClinVar (database versions not stated): TOPMed 0.00004; 1000 Genomes Project 0.00120; 1000 Genomes Project 30x 0.00172.
gnomAD v4.1: 619 of 1,578,422 alleles (0.039%); highest among the groups gnomAD compares: South Asian, 0.65%; 4 homozygotes.

Submissions (4):

Blueprint Genetics
Classification: Likely benign. Last evaluated: 2024-11-11. Review status: criteria provided, single submitter. Criteria: ACMG Guidelines, 2015. Collection method: clinical testing. Allele origin: germline.

Labcorp Genetics (formerly Invitae), Labcorp
Classification: Likely benign for Epileptic encephalopathy. Last evaluated: 2022-11-01. Review status: criteria provided, single submitter. Criteria: Invitae Variant Classification Sherloc (09022015). Collection method: clinical testing. Allele origin: germline.

Breakthrough Genomics
Classification: Likely benign. Review status: criteria provided, single submitter. Criteria: ACMG Guidelines, 2015. Collection method: not provided. Allele origin: germline. Inheritance: Unknown mechanism. Affected: yes.

Department of Research, Sir Ganga Ram Hospital
Classification: Likely pathogenic for Monomelic Amyotrophy. Review status: no assertion criteria provided. Collection method: research. Allele origin: inherited. Inheritance: Autosomal dominant inheritance. Affected: yes. Observed: 2 variant alleles. Not counted in ClinVar's aggregate classification.